The following is an entry in ClinVar:

ClinVar aggregate classification (germline): Uncertain significance (1 of 4 stars; one submission).

Conditions:
Cardiovascular phenotype. Identifiers: MedGen CN230736.

Submission:

Ambry Genetics
Classification: Uncertain significance for Cardiovascular phenotype. Last evaluated: 2025-04-30. Review status: criteria provided, single submitter. Criteria: Ambry Variant Classification Scheme 2023. Collection method: clinical testing. Allele origin: germline.
Comment: The p.A504S variant (also known as c.1510G>T), located in coding exon 1 of the DOLK gene, results from a G to T substitution at nucleotide position 1510. The alanine at codon 504 is replaced by serine, an amino acid with similar properties. This amino acid position is conserved. In addition, this alteration is predicted to be tolerated by in silico analysis. Based on the available evidence, the clinical significance of this variant remains unclear.

NM_014908.4(DOLK):c.1510G>T (p.Ala504Ser)

Gene: DOLK (dolichol kinase; minus strand). Cytogenetic location: 9q34.11.
Variant type: single nucleotide variant.
Coding change: c.1510G>T on transcript NM_014908.4 (MANE Select); coding-DNA position 1510, G replaced by T.
Protein change: p.Ala504Ser; replaces alanine 504 with serine.
Molecular consequence: missense variant.
Genome position (GRCh38, 1-based): chr9:128,945,794, C>A on the plus strand (G>T on the coding strand, the complement: DOLK is on the minus strand). VCF-style: chr9-128945794-C-A. GRCh37 (hg19) VCF-style: chr9-131708073-C-A.
Other names: short protein forms A504S.
Identifiers: ClinVar variation 4014379 (VCV004014379.1).